The following is an entry in ClinVar:

ClinVar aggregate classification (germline): Pathogenic. Review status: criteria provided, single submitter (1 of 4 stars). 2 submissions from 2 submitters: Pathogenic (1). 1 of the submissions does not count toward it. Last evaluated 2022-05-02.

Conditions:
SMARCA4-related disorder. Also called: SMARCA4-related condition.
Rhabdoid tumor predisposition syndrome 2 (RTPS2). Identifiers: Orphanet 231108, Orphanet 69077, MedGen C2750074, MONDO:0013224, OMIM 613325.

Submissions (2):

Labcorp Genetics (formerly Invitae), Labcorp
Classification: Pathogenic for Rhabdoid tumor predisposition syndrome 2. Last evaluated: 2022-05-02. Review status: criteria provided, single submitter. Criteria: Invitae Variant Classification Sherloc (09022015). Collection method: clinical testing. Allele origin: germline.
Comment: For these reasons, this variant has been classified as Pathogenic. This variant has not been reported in the literature in individuals affected with SMARCA4-related conditions. This variant is not present in population databases (gnomAD no frequency). This sequence change creates a premature translational stop signal (p.Glu1481*) in the SMARCA4 gene. It is expected to result in an absent or disrupted protein product. Loss-of-function variants in SMARCA4 are known to be pathogenic (PMID: 24658001, 24658002).

PreventionGenetics, part of Exact Sciences
Classification: Likely pathogenic for SMARCA4-related condition. Last evaluated: 2024-05-14. Review status: no assertion criteria provided. Collection method: clinical testing. Allele origin: germline. Not counted in ClinVar's aggregate classification.
Comment: The SMARCA4 c.4441G>T variant is predicted to result in premature protein termination (p.Glu1481*). To our knowledge, this variant has not been reported in the literature but has been submitted to ClinVar as c.4345G>T, p.Glu1449Ter. This variant has not been reported in a large population database, indicating this variant is rare. Nonsense variants in SMARCA4 are expected to be pathogenic for small cell carcinoma of the ovary, hypercalcemic type (Ramos et al. 2014. PubMed ID: 24658001; Witkowski et al. 2014. PubMed ID: 24658002). This variant is interpreted as likely pathogenic.

Literature cited by the submitters: PubMed 24658001 (cited by Labcorp Genetics (formerly Invitae), Labcorp); PubMed 24658002 (cited by Labcorp Genetics (formerly Invitae), Labcorp).

NM_003072.5(SMARCA4):c.4345G>T (p.Glu1449Ter)

Gene: SMARCA4 (SWI/SNF related BAF chromatin remodeling complex subunit ATPase 4; plus strand). Cytogenetic location: 19p13.2.
Variant type: single nucleotide variant.
Coding change: c.4345G>T on transcript NM_003072.5 (MANE Select); coding-DNA position 4345, G replaced by T.
Protein change: p.Glu1449Ter; replaces glutamic acid 1449 with a stop codon.
Molecular consequence: nonsense. On other transcripts: non-coding transcript variant (1).
Genome position (GRCh38, 1-based): chr19:11,041,481, G>T. VCF-style: chr19-11041481-G-T. GRCh37 (hg19) VCF-style: chr19-11152157-G-T.
Other names: c.4345G>T, p.Glu1449Ter (NM_001128844.3); c.4255G>T, p.Glu1419Ter (NM_001128845.2, NM_001128846.2); c.4246G>T, p.Glu1416Ter (NM_001128847.4, NM_001128848.2, NM_001374457.1); c.4441G>T, p.Glu1481Ter (NM_001128849.3, NM_001387283.1); c.4342G>T, p.Glu1448Ter (NM_001411150.1); c.4441G>T (NM_001128849.1); short protein forms E1448*, E1419*, E1481*, E1449*, E1416*.
Identifiers: ClinVar variation 2102886 (VCV002102886.5), dbSNP rs1568528491, ClinGen allele CA404073930.
Genomic context (GRCh38, chr19:11,041,481, plus strand): 5'-CGCAGCCGCGACAAGGACGACGAGAGCAAGAAGCAGAAGAAGCGCGGGCGGCCGCCTGCC[G>T]AGAAACTCTCCCCTAACCCACCCAACCTCACCAAGAAGATGAAGAAGATTGTGGATGCCG-3'